The following is an entry in ClinVar:

ClinVar aggregate classification (germline): Conflicting classifications of pathogenicity. Review status: criteria provided, conflicting classifications (1 of 4 stars). 2 submissions from 2 submitters: Uncertain significance (1); Likely benign (1). Last evaluated 2023-11-30.

Conditions:
Hereditary cancer-predisposing syndrome. Also called: Hereditary Cancer Syndrome; Neoplastic Syndromes, Hereditary; Tumor predisposition; Hereditary neoplastic syndrome. Identifiers: Orphanet 140162, MedGen C0027672, MeSH D009386, MONDO:0015356.
Gorlin syndrome. Also called: Basal cell nevus syndrome; Nevoid Basal Cell Carcinoma Syndrome. Identifiers: Orphanet 377, MedGen C0004779, MONDO:0007187.

Allele frequency attached by ClinVar (database versions not stated): gnomAD exomes below 0.00001.
gnomAD v4.1: 2 of 1,614,240 alleles (0.00012%); highest among the groups gnomAD compares: Admixed American, 0.0017%; no homozygotes.

Submissions (2):

Ambry Genetics
Classification: Uncertain significance for Hereditary cancer-predisposing syndrome. Last evaluated: 2023-11-30. Review status: criteria provided, single submitter. Criteria: Ambry Variant Classification Scheme 2023. Collection method: clinical testing. Allele origin: germline.
Comment: The p.S928G variant (also known as c.2782A>G), located in coding exon 17 of the PTCH1 gene, results from an A to G substitution at nucleotide position 2782. The serine at codon 928 is replaced by glycine, an amino acid with similar properties. This amino acid position is conserved. In addition, this alteration is predicted to be deleterious by in silico analysis. Since supporting evidence is limited at this time, the clinical significance of this alteration remains unclear.

Labcorp Genetics (formerly Invitae), Labcorp
Classification: Likely benign for Gorlin syndrome. Last evaluated: 2022-03-05. Review status: criteria provided, single submitter. Criteria: Invitae Variant Classification Sherloc (09022015). Collection method: clinical testing. Allele origin: germline.

NM_000264.5(PTCH1):c.2782A>G (p.Ser928Gly)

Gene: PTCH1 (patched 1; minus strand). Cytogenetic location: 9q22.32.
Variant type: single nucleotide variant.
Coding change: c.2782A>G on transcript NM_000264.5 (MANE Select); coding-DNA position 2782, A replaced by G.
Protein change: p.Ser928Gly; replaces serine 928 with glycine.
Molecular consequence: missense variant. On other transcripts: non-coding transcript variant (1).
Genome position (GRCh38, 1-based): chr9:95,459,705, T>C on the plus strand (A>G on the coding strand, the complement: PTCH1 is on the minus strand). VCF-style: chr9-95459705-T-C. GRCh37 (hg19) VCF-style: chr9-98221987-T-C.
Other names: c.2584A>G, p.Ser862Gly (NM_001083602.3); c.2779A>G, p.Ser927Gly (NM_001083603.3); c.2329A>G, p.Ser777Gly (NM_001083604.3, NM_001083605.3, NM_001083606.3 and 1 more transcripts); c.2626A>G, p.Ser876Gly (NM_001354918.2); short protein forms S862G, S928G, S777G, S927G, S876G.
Identifiers: ClinVar variation 188336 (VCV000188336.10), dbSNP rs786204224, ClinGen allele CA334645.